The following is an entry in ClinVar:

NM_198428.3(BBS9):c.962A>G (p.Lys321Arg)

Gene: BBS9 (Bardet-Biedl syndrome 9; plus strand). Cytogenetic location: 7p14.3.
Variant type: single nucleotide variant.
Coding change: c.962A>G on transcript NM_198428.3 (MANE Select); coding-DNA position 962, A replaced by G.
Protein change: p.Lys321Arg; replaces lysine 321 with arginine.
Molecular consequence: missense variant. On other transcripts: non-coding transcript variant (3).
Genome position (GRCh38, 1-based): chr7:33,273,902, A>G. VCF-style: chr7-33273902-A-G. GRCh37 (hg19) VCF-style: chr7-33313514-A-G.
Other names: c.962A>G, p.Lys321Arg (NM_001033604.2, NM_001033605.2, NM_001348036.1 and 7 more transcripts); c.596A>G, p.Lys199Arg (NM_001348037.3, NM_001348044.3, NM_001348045.3 and 1 more transcripts); c.689A>G, p.Lys230Arg (NM_001348038.3, NM_001348039.3); c.827A>G, p.Lys276Arg (NM_001348042.3); short protein forms K230R, K276R, K321R, K199R.
Identifiers: ClinVar variation 2106644 (VCV002106644.1), dbSNP rs2535216636, ClinGen allele CA367255011.

ClinVar aggregate classification (germline): Uncertain significance (1 of 4 stars; one submission).

Conditions:
Bardet-Biedl syndrome (BBS). Identifiers: Orphanet 110, MedGen C0752166, MONDO:0015229.

Submission:

Labcorp Genetics (formerly Invitae), Labcorp
Classification: Uncertain significance for Bardet-Biedl syndrome. Last evaluated: 2022-03-04. Review status: criteria provided, single submitter. Criteria: Invitae Variant Classification Sherloc (09022015). Collection method: clinical testing. Allele origin: germline.
Comment: This sequence change replaces lysine, which is basic and polar, with arginine, which is basic and polar, at codon 321 of the BBS9 protein (p.Lys321Arg). This variant is not present in population databases (gnomAD no frequency). This variant has not been reported in the literature in individuals affected with BBS9-related conditions. Algorithms developed to predict the effect of missense changes on protein structure and function are either unavailable or do not agree on the potential impact of this missense change (SIFT: "Deleterious"; PolyPhen-2: "Benign"; Align-GVGD: "Class C25"). Algorithms developed to predict the effect of sequence changes on RNA splicing suggest that this variant may create or strengthen a splice site. In summary, the available evidence is currently insufficient to determine the role of this variant in disease. Therefore, it has been classified as a Variant of Uncertain Significance.